The following is an entry in ClinVar:

ClinVar aggregate classification (germline): Uncertain significance (1 of 4 stars; one submission).

Allele frequency attached by ClinVar (database versions not stated): TOPMed 0.00001.

Submission:

Ambry Genetics
Classification: Uncertain significance. Last evaluated: 2022-01-07. Review status: criteria provided, single submitter. Criteria: Ambry Variant Classification Scheme 2023. Collection method: clinical testing. Allele origin: germline.
Comment: The p.V468I variant (also known as c.1402G>A), located in coding exon 14 of the RASA2 gene, results from a G to A substitution at nucleotide position 1402. The valine at codon 468 is replaced by isoleucine, an amino acid with highly similar properties. This amino acid position is conserved. In addition, this alteration is predicted to be tolerated by in silico analysis. Since supporting evidence is limited at this time, the clinical significance of this alteration remains unclear.

NM_006506.5(RASA2):c.1402G>A (p.Val468Ile)

Gene: RASA2 (RAS p21 protein activator 2; plus strand). Cytogenetic location: 3q23.
Variant type: single nucleotide variant.
Coding change: c.1402G>A on transcript NM_006506.5 (MANE Select); coding-DNA position 1402, G replaced by A.
Protein change: p.Val468Ile; replaces valine 468 with isoleucine.
Molecular consequence: missense variant.
Genome position (GRCh38, 1-based): chr3:141,573,986, G>A. VCF-style: chr3-141573986-G-A. GRCh37 (hg19) VCF-style: chr3-141292828-G-A.
Other names: c.1402G>A, p.Val468Ile (NM_001303245.3, NM_001303246.3); short protein forms V468I.
Identifiers: ClinVar variation 1771840 (VCV001771840.2), dbSNP rs1218237851, ClinGen allele CA354778624.
Genomic context (GRCh38, chr3:141,573,986, plus strand): 5'-CCTTTTTAAATCCTGCAGGAGAATCTGCGCTACTATGTAGACAAGTTATTCAATACAATT[G>A]TAAAATCAAGTATGAGCTGCCCCACTGTAATGTGTGATATCTTTTATTCTCTAAGGCAGA-3'
Protein context (NP_006497.2, residues 458-478): YYVDKLFNTI[Val468Ile]KSSMSCPTVM